The following is an entry in ClinVar:

ClinVar aggregate classification (germline): Uncertain significance (1 of 4 stars; one submission).

Conditions:
Catecholaminergic polymorphic ventricular tachycardia 1. Also called: VENTRICULAR TACHYCARDIA, CATECHOLAMINERGIC POLYMORPHIC, 1, WITH OR WITHOUT ATRIAL DYSFUNCTION AND/OR DILATED CARDIOMYOPATHY; RYR2-Related Catecholaminergic Polymorphic Ventricular Tachycardia; VENTRICULAR TACHYCARDIA, STRESS-INDUCED POLYMORPHIC 1. Identifiers: Orphanet 3286, MedGen C1631597, MONDO:0011484, OMIM 604772.

Submission:

Labcorp Genetics (formerly Invitae), Labcorp
Classification: Uncertain significance for Catecholaminergic polymorphic ventricular tachycardia 1. Last evaluated: 2022-04-18. Review status: criteria provided, single submitter. Criteria: Invitae Variant Classification Sherloc (09022015). Collection method: clinical testing. Allele origin: germline.
Comment: This sequence change replaces methionine, which is neutral and non-polar, with threonine, which is neutral and polar, at codon 4258 of the RYR2 protein (p.Met4258Thr). This variant is not present in population databases (gnomAD no frequency). This variant has not been reported in the literature in individuals affected with RYR2-related conditions. In summary, the available evidence is currently insufficient to determine the role of this variant in disease. Therefore, it has been classified as a Variant of Uncertain Significance. Advanced modeling of protein sequence and biophysical properties (such as structural, functional, and spatial information, amino acid conservation, physicochemical variation, residue mobility, and thermodynamic stability) performed at Invitae indicates that this missense variant is not expected to disrupt RYR2 protein function.

NM_001035.3(RYR2):c.12773T>C (p.Met4258Thr)

Genes: RYR2 (ryanodine receptor 2; plus strand), LOC126806068 (BRD4-independent group 4 enhancer GRCh37_chr1:237947411-237948610; plus strand). Cytogenetic location: 1q43.
Variant type: single nucleotide variant.
Coding change: c.12773T>C on transcript NM_001035.3 (MANE Select); coding-DNA position 12773, T replaced by C.
Protein change: p.Met4258Thr; replaces methionine 4258 with threonine.
Molecular consequence: missense variant.
Genome position (GRCh38, 1-based): chr1:237,784,485, T>C. VCF-style: chr1-237784485-T-C. GRCh37 (hg19) VCF-style: chr1-237947785-T-C.
Other names: short protein forms M4258T.
Identifiers: ClinVar variation 2086793 (VCV002086793.4), dbSNP rs2527791816, ClinGen allele CA345414125.